The following is an entry in ClinVar:

ClinVar aggregate classification (germline): Benign/Likely benign. Review status: criteria provided, multiple submitters, no conflicts (2 of 4 stars). 4 submissions from 4 submitters: Benign (1); Likely benign (3). Last evaluated 2025-07-08.

Conditions:
Hereditary cancer-predisposing syndrome. Also called: Neoplastic Syndromes, Hereditary; Hereditary Cancer Syndrome; Tumor predisposition; Hereditary neoplastic syndrome. Identifiers: Orphanet 140162, MedGen C0027672, MeSH D009386, MONDO:0015356.
Oligodontia-cancer predisposition syndrome. Also called: TOOTH AGENESIS-COLORECTAL CANCER SYNDROME. Identifiers: Orphanet 300576, MedGen C1837750, MONDO:0012075, OMIM 608615. Disease mechanism: loss of function.

Allele frequency attached by ClinVar (database versions not stated): ExAC 0.00002.
gnomAD v4.1: 2 of 1,579,932 alleles (0.00013%); highest among the groups gnomAD compares: Non-Finnish European, 0.00017%; no homozygotes.

Submissions (4):

Labcorp Genetics (formerly Invitae), Labcorp
Classification: Likely benign for Oligodontia-cancer predisposition syndrome. Last evaluated: 2025-07-08. Review status: criteria provided, single submitter. Criteria: Invitae Variant Classification Sherloc (09022015). Collection method: clinical testing. Allele origin: germline.

Myriad Genetics, Inc.
Classification: Benign for Oligodontia-cancer predisposition syndrome. Last evaluated: 2024-07-03. Review status: criteria provided, single submitter. Criteria: Myriad Autosomal Dominant, Autosomal Recessive and X-Linked Classification Criteria (2023). Collection method: clinical testing. Allele origin: unknown.
Comment: This variant is considered benign. This variant is a silent/synonymous amino acid change and it is not expected to impact splicing.

Quest Diagnostics Nichols Institute San Juan Capistrano
Classification: Likely benign. Last evaluated: 2022-11-04. Review status: criteria provided, single submitter. Criteria: Quest Diagnostics criteria. Collection method: clinical testing. Allele origin: unknown.

Ambry Genetics
Classification: Likely benign for Hereditary cancer-predisposing syndrome. Last evaluated: 2020-01-22. Review status: criteria provided, single submitter. Criteria: Ambry Variant Classification Scheme 2023. Collection method: clinical testing. Allele origin: germline.

NM_004655.4(AXIN2):c.1398C>G (p.Ser466=)

Gene: AXIN2 (axin 2; minus strand). Cytogenetic location: 17q24.1.
Variant type: single nucleotide variant.
Coding change: c.1398C>G on transcript NM_004655.4 (MANE Select); coding-DNA position 1398, C replaced by G.
Protein change: p.Ser466=; no amino-acid change (serine 466 retained).
Molecular consequence: synonymous variant.
Genome position (GRCh38, 1-based): chr17:65,537,638, G>C on the plus strand (C>G on the coding strand, the complement: AXIN2 is on the minus strand). VCF-style: chr17-65537638-G-C. GRCh37 (hg19) VCF-style: chr17-63533756-G-C.
Other names: c.1398C>G, p.Ser466= (NM_001363813.1).
Identifiers: ClinVar variation 745226 (VCV000745226.15), dbSNP rs760282693, ClinGen allele CA8718658.